The following is an entry in ClinVar:

ClinVar aggregate classification (germline): Uncertain significance (1 of 4 stars; one submission).

Allele frequency attached by ClinVar (database versions not stated): TOPMed below 0.00001; ExAC 0.00001; gnomAD 0.00001; gnomAD exomes 0.00002.
gnomAD v4.1: 30 of 1,610,224 alleles (0.0019%); highest among the groups gnomAD compares: Non-Finnish European, 0.0025%; no homozygotes.

Submission:

Labcorp Genetics (formerly Invitae), Labcorp
Classification: Uncertain significance. Last evaluated: 2023-02-22. Review status: criteria provided, single submitter. Criteria: Invitae Variant Classification Sherloc (09022015). Collection method: clinical testing. Allele origin: germline.
Comment: This sequence change falls in intron 13 of the MKL1 gene. It does not directly change the encoded amino acid sequence of the MKL1 protein. It affects a nucleotide within the consensus splice site. This variant is present in population databases (rs749122173, gnomAD 0.002%). This variant has not been reported in the literature in individuals affected with MKL1-related conditions. Variants that disrupt the consensus splice site are a relatively common cause of aberrant splicing (PMID: 17576681, 9536098). Algorithms developed to predict the effect of sequence changes on RNA splicing suggest that this variant is not likely to affect RNA splicing. In summary, the available evidence is currently insufficient to determine the role of this variant in disease. Therefore, it has been classified as a Variant of Uncertain Significance.

Literature cited by the submitters: PubMed 17576681; PubMed 9536098.

NM_020831.6(MRTFA):c.2517+5G>C

Gene: MRTFA (myocardin related transcription factor A; minus strand). Cytogenetic location: 22q13.1.
Variant type: single nucleotide variant.
Coding change: c.2517+5G>C on transcript NM_020831.6 (MANE Select); 5 bases into the intron after coding-DNA position 2517, G replaced by C.
Molecular consequence: intron variant.
Genome position (GRCh38, 1-based): chr22:40,417,336, C>G on the plus strand (G>C on the coding strand, the complement: MRTFA is on the minus strand). VCF-style: chr22-40417336-C-G. GRCh37 (hg19) VCF-style: chr22-40813340-C-G.
Other names: c.2367+5G>C (NM_001282661.3); c.2517+5G>C (NM_001282662.3); c.2322+5G>C (NM_001318139.2); c.2217+5G>C (NM_001282660.2).
Identifiers: ClinVar variation 2835871 (VCV002835871.3), dbSNP rs749122173, ClinGen allele CA10249320.